The following is an entry in ClinVar:

NM_022124.6(CDH23):c.7937G>A (p.Gly2646Glu)

Genes: CDH23 (cadherin related 23; plus strand), LOC111982869 (Sharpr-MPRA regulatory region 2121; plus strand). Cytogenetic location: 10q22.1.
Variant type: single nucleotide variant.
Coding change: c.7937G>A on transcript NM_022124.6 (MANE Select); coding-DNA position 7937, G replaced by A.
Protein change: p.Gly2646Glu; replaces glycine 2646 with glutamic acid.
Molecular consequence: missense variant.
Genome position (GRCh38, 1-based): chr10:71,805,870, G>A. VCF-style: chr10-71805870-G-A. GRCh37 (hg19) VCF-style: chr10-73565627-G-A.
Other names: c.1217G>A, p.Gly406Glu (NM_001171933.1, NM_001171934.1); short protein forms G2646E, G406E.
Identifiers: ClinVar variation 1055224 (VCV001055224.7), dbSNP rs2132983613, ClinGen allele CA377161998.

ClinVar aggregate classification (germline): Uncertain significance (1 of 4 stars; one submission).

Submission:

Labcorp Genetics (formerly Invitae), Labcorp
Classification: Uncertain significance. Last evaluated: 2025-05-05. Review status: criteria provided, single submitter. Criteria: Invitae Variant Classification Sherloc (09022015). Collection method: clinical testing. Allele origin: germline.
Comment: This sequence change replaces glycine, which is neutral and non-polar, with glutamic acid, which is acidic and polar, at codon 2646 of the CDH23 protein (p.Gly2646Glu). This variant is not present in population databases (gnomAD no frequency). This variant has not been reported in the literature in individuals affected with CDH23-related conditions. ClinVar contains an entry for this variant (Variation ID: 1055224). Invitae Evidence Modeling of protein sequence and biophysical properties (such as structural, functional, and spatial information, amino acid conservation, physicochemical variation, residue mobility, and thermodynamic stability) has been performed for this missense variant. However, the output from this modeling did not meet the statistical confidence thresholds required to predict the impact of this variant on CDH23 protein function. In summary, the available evidence is currently insufficient to determine the role of this variant in disease. Therefore, it has been classified as a Variant of Uncertain Significance.